The following is an entry in ClinVar:

NM_021729.6(VPS11):c.637-4G>A

Gene: VPS11 (VPS11 core subunit of CORVET and HOPS complexes; plus strand). Cytogenetic location: 11q23.3.
Variant type: single nucleotide variant.
Coding change: c.637-4G>A on transcript NM_021729.6 (MANE Select); 4 bases into the intron before coding-DNA position 637, G replaced by A.
Molecular consequence: intron variant.
Genome position (GRCh38, 1-based): chr11:119,071,592, G>A. VCF-style: chr11-119071592-G-A. GRCh37 (hg19) VCF-style: chr11-118942302-G-A.
Other names: c.607-4G>A (NM_001290185.2); c.649-4G>A (NM_001378218.1); c.637-4G>A (NM_001378219.1, NM_001378220.1); c.619-4G>A (NM_001378221.1).
Identifiers: ClinVar variation 1694650 (VCV001694650.34), dbSNP rs782586885, ClinGen allele CA6313247.

ClinVar aggregate classification (germline): Likely benign. Review status: criteria provided, multiple submitters, no conflicts (2 of 4 stars). 2 submissions from 2 submitters: Likely benign (2). Last evaluated 2023-11-25.

Allele frequency attached by ClinVar (database versions not stated): TOPMed below 0.00001; gnomAD 0.00001; gnomAD exomes 0.00003 and 0.00007; ExAC 0.00006.
gnomAD v4.1: 48 of 1,613,602 alleles (0.003%); highest among the groups gnomAD compares: South Asian, 0.047%; 1 homozygote.

Submissions (2):

Labcorp Genetics (formerly Invitae), Labcorp
Classification: Likely benign. Last evaluated: 2023-11-25. Review status: criteria provided, single submitter. Criteria: Invitae Variant Classification Sherloc (09022015). Collection method: clinical testing. Allele origin: germline.

CeGaT Center for Human Genetics Tuebingen
Classification: Likely benign. Last evaluated: 2022-05-01. Review status: criteria provided, single submitter. Criteria: CeGaT Center For Human Genetics Tuebingen Variant Classification Criteria Version 2. Collection method: clinical testing. Allele origin: germline. Affected: yes. Observed: 1 variant allele.
Comment: VPS11: BP4